The following is an entry in ClinVar:

ClinVar aggregate classification (germline): Uncertain significance (1 of 4 stars; one submission).

Conditions:
Deficiency of adenosine deaminase 2. Also called: Polyarteritis nodosa, childhoood-onset; VASCULITIS, AUTOINFLAMMATION, IMMUNODEFICIENCY, AND HEMATOLOGIC DEFECTS SYNDROME; Adenosine Deaminase 2 Deficiency. Identifiers: Orphanet 404553, MedGen C3887654, MONDO:0014306, OMIM 615688, MONDO:0100317.

Submission:

Labcorp Genetics (formerly Invitae), Labcorp
Classification: Uncertain significance for Deficiency of adenosine deaminase 2. Last evaluated: 2024-02-24. Review status: criteria provided, single submitter. Criteria: Invitae Variant Classification Sherloc (09022015). Collection method: clinical testing. Allele origin: germline.
Comment: This sequence change replaces aspartic acid, which is acidic and polar, with asparagine, which is neutral and polar, at codon 323 of the ADA2 protein (p.Asp323Asn). This variant is not present in population databases (gnomAD no frequency). This variant has not been reported in the literature in individuals affected with ADA2-related conditions. ClinVar contains an entry for this variant (Variation ID: 1462678). Advanced modeling of protein sequence and biophysical properties (such as structural, functional, and spatial information, amino acid conservation, physicochemical variation, residue mobility, and thermodynamic stability) has been performed at Invitae for this missense variant, however the output from this modeling did not meet the statistical confidence thresholds required to predict the impact of this variant on ADA2 protein function. In summary, the available evidence is currently insufficient to determine the role of this variant in disease. Therefore, it has been classified as a Variant of Uncertain Significance.

NM_001282225.2(ADA2):c.967G>A (p.Asp323Asn)

Gene: ADA2 (adenosine deaminase 2; minus strand). Cytogenetic location: 22q11.1.
Variant type: single nucleotide variant.
Coding change: c.967G>A on transcript NM_001282225.2 (MANE Select); coding-DNA position 967, G replaced by A.
Protein change: p.Asp323Asn; replaces aspartic acid 323 with asparagine.
Molecular consequence: missense variant.
Genome position (GRCh38, 1-based): chr22:17,189,947, C>T on the plus strand (G>A on the coding strand, the complement: ADA2 is on the minus strand). VCF-style: chr22-17189947-C-T. GRCh37 (hg19) VCF-style: chr22-17670837-C-T.
Other names: c.967G>A, p.Asp323Asn (NM_001282226.2); c.841G>A, p.Asp281Asn (NM_001282227.2, NM_001282228.2); c.607G>A, p.Asp203Asn (NM_001282229.2); c.244G>A, p.Asp82Asn (NM_177405.3); short protein forms D281N, D203N, D82N, D323N.
Identifiers: ClinVar variation 1462678 (VCV001462678.6), dbSNP rs2123643865, ClinGen allele CA410233643.